The following is an entry in ClinVar:

NM_014915.3(ANKRD26):c.3632A>C (p.Glu1211Ala)

Gene: ANKRD26 (ankyrin repeat domain containing 26; minus strand). Cytogenetic location: 10p12.1.
Variant type: single nucleotide variant.
Coding change: c.3632A>C on transcript NM_014915.3 (MANE Select); coding-DNA position 3632, A replaced by C.
Protein change: p.Glu1211Ala; replaces glutamic acid 1211 with alanine.
Molecular consequence: missense variant.
Genome position (GRCh38, 1-based): chr10:27,034,818, T>G on the plus strand (A>C on the coding strand, the complement: ANKRD26 is on the minus strand). VCF-style: chr10-27034818-T-G. GRCh37 (hg19) VCF-style: chr10-27323747-T-G.
Other names: c.3629A>C, p.Glu1210Ala (NM_001256053.2); short protein forms E1211A, E1210A.
Identifiers: ClinVar variation 4104596 (VCV004104596.1).

ClinVar aggregate classification (germline): Uncertain significance (1 of 4 stars; one submission).

Conditions:
Inborn genetic diseases. Identifiers: MedGen C0950123, MeSH D030342.

Submission:

Ambry Genetics
Classification: Uncertain significance for Inborn genetic diseases. Last evaluated: 2025-08-31. Review status: criteria provided, single submitter. Criteria: Ambry Variant Classification Scheme 2023. Collection method: clinical testing. Allele origin: germline.
Comment: The p.E1211A variant (also known as c.3632A>C), located in coding exon 24 of the ANKRD26 gene, results from an A to C substitution at nucleotide position 3632. The glutamic acid at codon 1211 is replaced by alanine, an amino acid with dissimilar properties. This amino acid position is conserved. In addition, this alteration is predicted to be tolerated by in silico analysis. Based on the available evidence, the clinical significance of this variant remains unclear.